The following is an entry in ClinVar:

NM_020366.4(RPGRIP1):c.2949G>A (p.Lys983=)

Gene: RPGRIP1 (RPGR interacting protein 1; plus strand). Cytogenetic location: 14q11.2.
Variant type: single nucleotide variant.
Coding change: c.2949G>A on transcript NM_020366.4 (MANE Select); coding-DNA position 2949, G replaced by A.
Protein change: p.Lys983=; no amino-acid change (lysine 983 retained).
Molecular consequence: synonymous variant.
Genome position (GRCh38, 1-based): chr14:21,328,477, G>A. VCF-style: chr14-21328477-G-A. GRCh37 (hg19) VCF-style: chr14-21796636-G-A.
Other names: c.2949G>A (NM_020366.3); c.927G>A, p.Lys309= (NM_001377523.1, NM_001377950.1); c.1875G>A, p.Lys625= (NM_001377948.1); c.1035G>A, p.Lys345= (NM_001377949.1); c.429G>A, p.Lys143= (NM_001377951.1).
Identifiers: ClinVar variation 1147519 (VCV001147519.11), dbSNP rs371419221, ClinGen allele CA7089384.

ClinVar aggregate classification (germline): Likely benign. Review status: criteria provided, multiple submitters, no conflicts (2 of 4 stars). 3 submissions from 3 submitters: Likely benign (3). Last evaluated 2026-01-11.

Conditions:
RPGRIP1-related disorder. Also called: RPGRIP1-related condition.
Leber congenital amaurosis 6 (LCA6). Identifiers: Orphanet 65, MedGen C1854260, MONDO:0013446, OMIM 613826.
Cone-rod dystrophy 13 (CORD13). Identifiers: Orphanet 1872, MedGen C2750720, MONDO:0011987, OMIM 608194.

Allele frequency attached by ClinVar (database versions not stated): gnomAD exomes 0.00003 and 0.00009; ExAC 0.00008; ESP Exome Variant Server 0.00025; TOPMed 0.00031; gnomAD 0.00036.
gnomAD v4.1: 86 of 1,613,710 alleles (0.0053%); highest among the groups gnomAD compares: African/African-American, 0.11%; no homozygotes.

Submissions (3):

Labcorp Genetics (formerly Invitae), Labcorp
Classification: Likely benign for Leber congenital amaurosis 6; Cone-rod dystrophy 13. Last evaluated: 2026-01-11. Review status: criteria provided, single submitter. Criteria: Invitae Variant Classification Sherloc (09022015). Collection method: clinical testing. Allele origin: germline.

PreventionGenetics, part of Exact Sciences
Classification: Likely benign for RPGRIP1-related condition. Last evaluated: 2025-01-11. Review status: criteria provided, single submitter. Criteria: ACMG Guidelines, 2015. Collection method: clinical testing. Allele origin: germline.
Comment: This variant is classified as likely benign based on ACMG/AMP sequence variant interpretation guidelines (Richards et al. 2015 PMID: 25741868, with internal and published modifications).

Blueprint Genetics
Classification: Likely benign. Last evaluated: 2019-02-22. Review status: criteria provided, single submitter. Criteria: ACMG Guidelines, 2015. Collection method: clinical testing. Allele origin: germline.